The following is an entry in ClinVar:

ClinVar aggregate classification (germline): Uncertain significance. Review status: criteria provided, multiple submitters, no conflicts (2 of 4 stars). 2 submissions from 2 submitters: Uncertain significance (2). Last evaluated 2023-10-01.

Conditions:
Cerebellar atrophy, visual impairment, and psychomotor retardation;. Also called: Cerebellar atrophy, visual impairment, and psychomotor retardation. Identifiers: MedGen C4225172, MONDO:0014811, OMIM 616875.
Retinal dystrophy. Also called: Inherited retinal dystrophy. Identifiers: Orphanet 71862, MedGen C0854723, MeSH D058499, MONDO:0019118, HP:0000556.

Submissions (2):

Dept Of Ophthalmology, Nagoya University
Classification: Uncertain significance for Retinal dystrophy. Last evaluated: 2023-10-01. Review status: criteria provided, single submitter. Criteria: Submitter's publication. Collection method: research. Allele origin: germline. Affected: yes.

Neuberg Centre For Genomic Medicine, NCGM
Classification: Uncertain significance for Cerebellar atrophy, visual impairment, and psychomotor retardation;. Review status: criteria provided, single submitter. Criteria: ACMG Guidelines, 2015. Collection method: clinical testing. Allele origin: germline. Inheritance: Autosomal recessive inheritance. Affected: yes.
Comment: The observed missense variant c.1897G>T(p.Asp633Tyr) in the EMC1 gene has not been reported previously as a pathogenic variant nor as a benign variant, to our knowledge. This variant is absent in the gnomAD Exomes. The amino acid Asp at position 633 is changed to a Tyr changing protein sequence and it might alter its composition and physico-chemical properties. Multiple lines of computational evidence (Polyphen - Damaging, SIFT - Damaging and MutationTaster - Disease causing) predict a damaging effect on protein structure and function for this variant. The residue is conserved by GERP++ and PhyloP across 100 vertebrates. For these reasons, this variant has been classified as Uncertain Significance.

NM_015047.3(EMC1):c.1897G>T (p.Asp633Tyr)

Genes: EMC1 (ER membrane protein complex subunit 1; minus strand), EMC1-AS1 (EMC1 antisense RNA 1; plus strand). Cytogenetic location: 1p36.13.
Variant type: single nucleotide variant.
Coding change: c.1897G>T on transcript NM_015047.3 (MANE Select); coding-DNA position 1897, G replaced by T.
Protein change: p.Asp633Tyr; replaces aspartic acid 633 with tyrosine.
Molecular consequence: missense variant.
Genome position (GRCh38, 1-based): chr1:19,231,308, C>A on the plus strand (G>T on the coding strand, the complement: EMC1 is on the minus strand). VCF-style: chr1-19231308-C-A. GRCh37 (hg19) VCF-style: chr1-19557802-C-A.
Other names: c.1894G>T, p.Asp632Tyr (NM_001271427.2, NM_001271428.2); c.1831G>T, p.Asp611Tyr (NM_001271429.2); c.1906G>T, p.Asp636Tyr (NM_001375820.1); c.1903G>T, p.Asp635Tyr (NM_001375821.1); short protein forms D611Y, D632Y, D633Y, D635Y, D636Y.
Identifiers: ClinVar variation 3027597 (VCV003027597.2), dbSNP rs2536722111, ClinGen allele CA338759347.